The following is an entry in ClinVar:

ClinVar aggregate classification (germline): Uncertain significance (1 of 4 stars; one submission).

Submission:

GeneDx
Classification: Uncertain significance. Last evaluated: 2024-10-22. Review status: criteria provided, single submitter. Criteria: GeneDx Variant Classification Process June 2021. Collection method: clinical testing. Allele origin: germline. Affected: yes.
Comment: Not observed at significant frequency in large population cohorts (gnomAD); In silico analysis supports that this missense variant has a deleterious effect on protein structure/function; Has not been previously published as pathogenic or benign to our knowledge

NM_000410.4(HFE):c.710T>G (p.Met237Arg)

Gene: HFE (homeostatic iron regulator; plus strand). Cytogenetic location: 6p22.2.
Variant type: single nucleotide variant.
Coding change: c.710T>G on transcript NM_000410.4 (MANE Select); coding-DNA position 710, T replaced by G.
Protein change: p.Met237Arg; replaces methionine 237 with arginine.
Molecular consequence: missense variant. On other transcripts: intron variant (1).
Genome position (GRCh38, 1-based): chr6:26,092,778, T>G. VCF-style: chr6-26092778-T-G. GRCh37 (hg19) VCF-style: chr6-26093006-T-G.
Other names: c.710T>G, p.Met237Arg (NM_001300749.3, NM_001384164.1); c.701T>G, p.Met234Arg (NM_001406751.1); c.446T>G, p.Met149Arg (NM_001406752.1, NM_139007.3); c.392T>G, p.Met131Arg (NM_139003.3); c.434T>G, p.Met145Arg (NM_139004.3); c.668T>G, p.Met223Arg (NM_139006.3); c.404T>G, p.Met135Arg (NM_139008.3); c.641T>G, p.Met214Arg (NM_139009.3); and 2 more; short protein forms M131R, M135R, M145R, M149R, M214R, M223R, M234R, M237R.
Identifiers: ClinVar variation 3893490 (VCV003893490.1).